The following is an entry in ClinVar:

ClinVar aggregate classification (germline): Pathogenic. Review status: reviewed by expert panel (3 of 4 stars). 14 submissions from 14 submitters: Pathogenic (1). 13 of the submissions do not count toward it. Last evaluated 2025-06-11.

Conditions:
ATM-related cancer predisposition. Also called: ATM-related cancer susceptibility. Identifiers: MedGen CN377759, MONDO:0700270.
Hereditary cancer-predisposing syndrome. Also called: Hereditary neoplastic syndrome; Hereditary Cancer Syndrome; Neoplastic Syndromes, Hereditary; Tumor predisposition. Identifiers: Orphanet 140162, MedGen C0027672, MeSH D009386, MONDO:0015356.
Familial cancer of breast. Also called: BREAST CANCER, FAMILIAL; hereditary breast carcinoma; Hereditary breast cancer. Identifiers: Orphanet 227535, MedGen C0346153, MONDO:0016419, OMIM 114480. Disease mechanism: loss of function.
Ataxia-telangiectasia syndrome (AT). Also called: Ataxia telangiectasia (A-T); Cerebello-oculocutaneous telangiectasia; Immunodeficiency with ataxia telangiectasia; Ataxia-telangiectasia, complementation group E; LOUIS-BAR SYNDROME; Ataxia-telangiectasia, complementation group D. Identifiers: Orphanet 100, MedGen C0004135, MONDO:0008840, OMIM 208900.

Allele frequency attached by ClinVar (database versions not stated): gnomAD exomes 0.00002 and 0.00007; gnomAD 0.00001; TOPMed 0.00003; ExAC 0.00002.
gnomAD v4.1: 103 of 1,613,538 alleles (0.0064%); highest among the groups gnomAD compares: Non-Finnish European, 0.0085%; no homozygotes.

Submissions 1 to 7 of 14:

ClinGen Hereditary Breast, Ovarian and Pancreatic Cancer Variant Curation Expert Panel, ClinGen
Classification: Pathogenic for ATM-related cancer predisposition. Last evaluated: 2025-06-11. Review status: reviewed by expert panel. Criteria: ClinGen HBOP ACMG Specifications ATM V1.3.0. Collection method: curation. Allele origin: germline. Inheritance: Autosomal dominant inheritance.
Comment: The c.5228C>T variant in ATM is a missense variant predicted to cause substitution of threonine by isoleucine at amino acid 1743 (p.Thr1743Ile). This variant has been detected in numerous unrelated individuals with Ataxia-Telangiectasia (PMIDs: 19147735, 21792198, 26896183, 31921190). The highest population minor allele frequency in gnomAD v4.1.0 is 0.00008476 in the European (non-Finnish) population (PM2_Supporting, BS1, and BA1 are not met). Western blotting in ATM null cells transfected with cDNA carrying this variant showed a reduction in phosphorylation of ATM downstream targets as compared to wild-type controls, indicating that this variant impacts protein function (PMID: 19431188). The computational predictor REVEL gives a score of 0.835 which is above the threshold of 0.7333, evidence that correlates with impact to ATM function. In summary, this variant meets the criteria to be classified as pathogenic for autosomal dominant ATM-related cancer predisposition and autosomal recessive Ataxia-Telangiectasia based on the ACMG/AMP criteria applied as specified by the HBOP VCEP. (PM3_VeryStrong, PS3_Supporting, PP3).

Labcorp Genetics (formerly Invitae), Labcorp
Classification: Pathogenic for Ataxia-telangiectasia syndrome. Last evaluated: 2026-01-27. Review status: criteria provided, single submitter. Criteria: Invitae Variant Classification Sherloc (09022015). Collection method: clinical testing. Allele origin: germline. Not counted in ClinVar's aggregate classification.
Comment: This sequence change replaces threonine, which is neutral and polar, with isoleucine, which is neutral and non-polar, at codon 1743 of the ATM protein (p.Thr1743Ile). This variant is present in population databases (rs587779844, gnomAD 0.004%). This missense change has been observed in individual(s) with ataxia-telangiectasia (A-T) (PMID: 9463314, 17968022, 19147735, 19781682, 21792198, 21933854, 27978560, 30303537, 31921190). In at least one individual the data is consistent with being in trans (on the opposite chromosome) from a pathogenic variant. ClinVar contains an entry for this variant (Variation ID: 127403). Invitae Evidence Modeling of protein sequence and biophysical properties (such as structural, functional, and spatial information, amino acid conservation, physicochemical variation, residue mobility, and thermodynamic stability) has been performed for this missense variant. However, the output from this modeling did not meet the statistical confidence thresholds required to predict the impact of this variant on ATM protein function. Experimental studies have shown that this missense change affects ATM function (PMID: 19431188). For these reasons, this variant has been classified as Pathogenic.

Ambry Genetics
Classification: Pathogenic for Hereditary cancer-predisposing syndrome. Last evaluated: 2025-08-21. Review status: criteria provided, single submitter. Criteria: Ambry Variant Classification Scheme 2023. Collection method: clinical testing. Allele origin: germline. Not counted in ClinVar's aggregate classification.
Comment: The p.T1743I variant (also known as c.5228C>T), located in coding exon 34 of the ATM gene, results from a C to T substitution at nucleotide position 5228. The threonine at codon 1743 is replaced by isoleucine, an amino acid with similar properties. This variant has been identified in the homozygous state and/or in conjunction with other ATM variant(s) in individual(s) with features consistent with ataxia telangiectasia (A-T) (Stankovic T et al. Am. J. Hum. Genet. 1998 Feb;62:334-45; Nahas SA et al. Clin Chem, 2009 Mar;55:463-72; Mandola AB et al. Front Immunol, 2019 Dec;10:2940; Jackson TJ et al. Dev Med Child Neurol 2016 07;58(7):690-7). Subsequently, cells from one of these patients were shown to express low levels of mutant protein but did not display any ATM kinase activity based on immunoblotting following irradiation (Reiman A et al. Br. J. Cancer. 2011 Aug;105:586-91). Another study evaluating kinase activity found that this alteration resulted in reduced, but not eliminated, phosphorylation of downstream targets compared to positive controls (Barone G et al. Hum. Mutat. 2009 Aug;30:1222-30). This amino acid position is highly conserved in available vertebrate species. In addition, this alteration is predicted to be deleterious by in silico analysis. This variant is considered to be rare based on population cohorts in the Genome Aggregation Database (gnomAD). Based on the supporting evidence, this alteration is interpreted as a disease-causing mutation.

Natera, Inc.
Classification: Pathogenic for Ataxia-telangiectasia. Last evaluated: 2025-06-25. Review status: criteria provided, single submitter. Criteria: Natera Variant Classification Schema (03/2026). Collection method: clinical testing. Allele origin: germline. Not counted in ClinVar's aggregate classification.
Comment: The c.5228C>T variant in ATM is a missense variant predicted to cause substitution of threonine to isoleucine at amino acid 1743. This variant is rare in the general population with a frequency below the threshold expected for the associated phenotype(s). This variant has been observed in one or more individuals affected with the associated recessive disease, as either homozygous or compound heterozygous with a second variant (PMID: 21792198, 26896183, 31921190). Functional studies show that this variant may disrupt protein function (PMID: 19431188). Given the available evidence, this variant is classified as Pathogenic.

GeneDx
Classification: Pathogenic. Last evaluated: 2025-04-30. Review status: criteria provided, single submitter. Criteria: GeneDx Variant Classification Process June 2021. Collection method: clinical testing. Allele origin: germline. Affected: yes. Not counted in ClinVar's aggregate classification.
Comment: Observed in the heterozygous state in individuals with a personal or family history including breast, pancreatic, and other cancers (PMID: 19781682, 30303537, 27978560, 21933854, 35047863); In silico analysis supports that this missense variant has a deleterious effect on protein structure/function; Not observed at significant frequency in large population cohorts (gnomAD); This variant is associated with the following publications: (PMID: 21792198, 21787400, 17968022, 26582918, 19431188, 20346647, 21933854, 22529920, 27978560, 30549301, 19147735, 30303537, 9463314, 19781682, 32832836, 34771661, 33436325, 32853339, 35078243, 34539671, 26896183, 31921190, 35047863, 29922827, 33471991, 36623239, 34326862, 26898890, 37712079, 28779002, 16014569)

Department of Pathology and Laboratory Medicine, Sinai Health System
Classification: Likely pathogenic for ATM-related cancer predisposition. Last evaluated: 2024-12-30. Review status: criteria provided, single submitter. Criteria: ACMG Guidelines, 2015. Collection method: clinical testing. Allele origin: germline. Not counted in ClinVar's aggregate classification.

Women's Health and Genetics/Laboratory Corporation of America, LabCorp
Classification: Pathogenic for Ataxia-telangiectasia syndrome. Last evaluated: 2024-10-21. Review status: criteria provided, single submitter. Criteria: LabCorp Variant Classification Summary - May 2015. Collection method: clinical testing. Allele origin: germline. Not counted in ClinVar's aggregate classification.
Comment: Variant summary: ATM c.5228C>T (p.Thr1743Ile) results in a non-conservative amino acid change in the encoded protein sequence. Five of five in-silico tools predict a damaging effect of the variant on protein function. The variant allele was found at a frequency of 1.6e-05 in 251178 control chromosomes. c.5228C>T has been reported in the literature in individuals affected with ataxia-telangiectasia, including at-least two cases being identified in trans with differenct pathogenic variants (example, Mandola_FI_2019, Mantravadi_2021, Jackson_2016 ). These data indicate that the variant is likely to be associated with disease. At least one publication reports experimental evidence evaluating an impact on protein function. The most pronounced variant effect results in 30%-50% of normal activity and ATM expression in vitro (Barone_2009). The following publications have been ascertained in the context of this evaluation (PMID: 19431188, 26896183, 31921190, 34539671). ClinVar contains an entry for this variant (Variation ID: 127403). Based on the evidence outlined above, the variant was classified as pathogenic.

NM_000051.4(ATM):c.5228C>T (p.Thr1743Ile)

Gene: ATM (ATM serine/threonine kinase; plus strand). Cytogenetic location: 11q22.3.
Variant type: single nucleotide variant.
Coding change: c.5228C>T on transcript NM_000051.4 (MANE Select); coding-DNA position 5228, C replaced by T.
Protein change: p.Thr1743Ile; replaces threonine 1743 with isoleucine.
Molecular consequence: missense variant.
Genome position (GRCh38, 1-based): chr11:108,301,698, C>T. VCF-style: chr11-108301698-C-T. GRCh37 (hg19) VCF-style: chr11-108172425-C-T.
Other names: p.T1743I:ACA>ATA; NM_000051.4(ATM):c.5228C>T; c.5228C>T, p.Thr1743Ile (NM_001351834.2); short protein forms T1743I.
Identifiers: ClinVar variation 127403 (VCV000127403.54), dbSNP rs587779844, ClinGen allele CA286882.